The following is an entry in ClinVar:

NM_000135.4(FANCA):c.3647C>T (p.Ala1216Val)

Gene: FANCA (FA complementation group A; minus strand). Cytogenetic location: 16q24.3.
Variant type: single nucleotide variant.
Coding change: c.3647C>T on transcript NM_000135.4 (MANE Select); coding-DNA position 3647, C replaced by T.
Protein change: p.Ala1216Val; replaces alanine 1216 with valine.
Molecular consequence: missense variant.
Genome position (GRCh38, 1-based): chr16:89,742,918, G>A on the plus strand (C>T on the coding strand, the complement: FANCA is on the minus strand). VCF-style: chr16-89742918-G-A. GRCh37 (hg19) VCF-style: chr16-89809326-G-A.
Other names: c.3647C>T, p.Ala1216Val (NM_001286167.3); short protein forms A1216V.
Identifiers: ClinVar variation 5036317 (VCV005036317.1).

ClinVar aggregate classification (germline): Uncertain significance (1 of 4 stars; one submission).

Conditions:
Inborn genetic diseases. Identifiers: MedGen C0950123, MeSH D030342.

gnomAD v4.1: 1 of 1,614,076 alleles (0.000062%); highest among the groups gnomAD compares: South Asian, 0.0011%; no homozygotes.

Submission:

Ambry Genetics
Classification: Uncertain significance for Inborn genetic diseases. Last evaluated: 2026-06-20. Review status: criteria provided, single submitter. Criteria: Ambry Variant Classification Scheme 2023. Collection method: clinical testing. Allele origin: germline.
Comment: The p.A1216V variant (also known as c.3647C>T), located in coding exon 37 of the FANCA gene, results from a C to T substitution at nucleotide position 3647. The alanine at codon 1216 is replaced by valine, an amino acid with similar properties. This amino acid position is conserved. In addition, this alteration is predicted to be tolerated by in silico analysis. Based on the available evidence, the clinical significance of this variant remains unclear.